The following is an entry in ClinVar:

NM_000342.4(SLC4A1):c.1476G>A (p.Trp492Ter)

Gene: SLC4A1 (solute carrier family 4 member 1 (Diego blood group); minus strand). Cytogenetic location: 17q21.31.
Variant type: single nucleotide variant.
Coding change: c.1476G>A on transcript NM_000342.4 (MANE Select); coding-DNA position 1476, G replaced by A.
Protein change: p.Trp492Ter; replaces tryptophan 492 with a stop codon.
Molecular consequence: nonsense.
Genome position (GRCh38, 1-based): chr17:44,257,500, C>T on the plus strand (G>A on the coding strand, the complement: SLC4A1 is on the minus strand). VCF-style: chr17-44257500-C-T. GRCh37 (hg19) VCF-style: chr17-42334868-C-T.
Other names: short protein forms W492*.
Identifiers: ClinVar variation 2433477 (VCV002433477.5), dbSNP rs1359458155, ClinGen allele CA399785892.

ClinVar aggregate classification (germline): Pathogenic/Likely pathogenic. Review status: criteria provided, multiple submitters, no conflicts (2 of 4 stars). 2 submissions from 2 submitters: Pathogenic (1); Likely pathogenic (1). Last evaluated 2026-01-22.

Allele frequency attached by ClinVar (database versions not stated): gnomAD 0.00001.
gnomAD v4.1: 1 of 1,613,978 alleles (0.000062%); highest among the groups gnomAD compares: Non-Finnish European, 0.000085%; no homozygotes.

Submissions (2):

Labcorp Genetics (formerly Invitae), Labcorp
Classification: Pathogenic. Last evaluated: 2026-01-22. Review status: criteria provided, single submitter. Criteria: Invitae Variant Classification Sherloc (09022015). Collection method: clinical testing. Allele origin: germline.
Comment: This sequence change creates a premature translational stop signal (p.Trp492*) in the SLC4A1 gene. It is expected to result in an absent or disrupted protein product. Loss-of-function variants in SLC4A1 are known to be pathogenic (PMID: 8943874, 10926824, 23255290). This variant is present in population databases (no rsID available, gnomAD 0.007%). This variant has not been reported in the literature in individuals affected with SLC4A1-related conditions. ClinVar contains an entry for this variant (Variation ID: 2433477). For these reasons, this variant has been classified as Pathogenic.

Revvity Omics, Revvity
Classification: Likely pathogenic. Last evaluated: 2024-05-22. Review status: criteria provided, single submitter. Criteria: ACMG Guidelines, 2015. Collection method: clinical testing. Allele origin: germline.

Literature cited by the submitters: PubMed 8943874 (cited by Labcorp Genetics (formerly Invitae), Labcorp); PubMed 10926824 (cited by Labcorp Genetics (formerly Invitae), Labcorp); PubMed 23255290 (cited by Labcorp Genetics (formerly Invitae), Labcorp).